The following is an entry in ClinVar:

ClinVar aggregate classification (germline): Likely pathogenic (1 of 4 stars; one submission).

Conditions:
Telangiectasia, hereditary hemorrhagic, type 1 (HHT1). Also called: Osler Weber Rendu syndrome type 1; ENG-Related Hereditary Hemorrhagic Telangiectasia. Identifiers: Orphanet 774, MedGen C4551861, MONDO:0008535, OMIM 187300. Disease mechanism: loss of function.

Submission:

Impact Genetics, Dynacare/LabCorp
Classification: Likely pathogenic for Telangiectasia, hereditary hemorrhagic, type 1. Last evaluated: 2024-10-29. Review status: criteria provided, single submitter. Criteria: DeMille et al. (Hum Mutat. 2024). Collection method: clinical testing. Allele origin: germline.
Comment: PVS1, PM2_supporting

NM_001114753.3(ENG):c.473_491delinsTGG (p.Ser158fs)

Gene: ENG (endoglin; minus strand). Cytogenetic location: 9q34.11.
Variant type: Indel.
Coding change: c.473_491delinsTGG on transcript NM_001114753.3 (MANE Select); coding-DNA positions 473 to 491, CTGCTGCTGAGCTGAATGA replaced by TGG.
Protein change: p.Ser158fs; shifts the reading frame from serine 158.
Molecular consequence: frameshift variant. On other transcripts: 5 prime UTR variant (1).
Genome position (GRCh38, 1-based): chr9:127,826,542-127,826,560, TCATTCAGCTCAGCAGCAG replaced by CCA on the plus strand (CTGCTGCTGAGCTGAATGA replaced by TGG on the coding strand, the reverse complement: ENG is on the minus strand). VCF-style: chr9-127826542-TCATTCAGCTCAGCAGCAG-CCA. GRCh37 (hg19) VCF-style: chr9-130588821-TCATTCAGCTCAGCAGCAG-CCA.
Other names: c.473_491delinsTGG, p.Ser158fs (NM_000118.4, NM_001406715.1); c.-74_-56delinsTGG (NM_001278138.2); short protein forms S158fs.
Identifiers: ClinVar variation 4070525 (VCV004070525.1).